The following is an entry in ClinVar:

ClinVar aggregate classification (germline): Uncertain significance (1 of 4 stars; one submission).

Conditions:
Cortical dysplasia-focal epilepsy syndrome (PTHSL1). Also called: Pitt-Hopkins-like syndrome 1. Identifiers: Orphanet 163681, Orphanet 221150, MedGen C2750246, MONDO:0012400, OMIM 610042.

gnomAD v4.1: 4 of 1,613,520 alleles (0.00025%); highest among the groups gnomAD compares: Non-Finnish European, 0.00034%; no homozygotes.

Submission:

Labcorp Genetics (formerly Invitae), Labcorp
Classification: Uncertain significance for Cortical dysplasia-focal epilepsy syndrome. Last evaluated: 2022-02-05. Review status: criteria provided, single submitter. Criteria: Invitae Variant Classification Sherloc (09022015). Collection method: clinical testing. Allele origin: germline.
Comment: This sequence change replaces aspartic acid, which is acidic and polar, with alanine, which is neutral and non-polar, at codon 446 of the CNTNAP2 protein (p.Asp446Ala). This variant is not present in population databases (gnomAD no frequency). This variant has not been reported in the literature in individuals affected with CNTNAP2-related conditions. Algorithms developed to predict the effect of missense changes on protein structure and function are either unavailable or do not agree on the potential impact of this missense change (SIFT: "Deleterious"; PolyPhen-2: "Benign"; Align-GVGD: "Class C0"). In summary, the available evidence is currently insufficient to determine the role of this variant in disease. Therefore, it has been classified as a Variant of Uncertain Significance.

NM_014141.6(CNTNAP2):c.1337A>C (p.Asp446Ala)

Gene: CNTNAP2 (contactin associated protein 2; plus strand). Cytogenetic location: 7q35.
Variant type: single nucleotide variant.
Coding change: c.1337A>C on transcript NM_014141.6 (MANE Select); coding-DNA position 1337, A replaced by C.
Protein change: p.Asp446Ala; replaces aspartic acid 446 with alanine.
Molecular consequence: missense variant.
Genome position (GRCh38, 1-based): chr7:147,132,498, A>C. VCF-style: chr7-147132498-A-C. GRCh37 (hg19) VCF-style: chr7-146829590-A-C.
Other names: short protein forms D446A.
Identifiers: ClinVar variation 1396902 (VCV001396902.3), dbSNP rs753860243, ClinGen allele CA369924994.